The following is an entry in ClinVar:

ClinVar aggregate classification (germline): Likely benign (1 of 4 stars; one submission).

Conditions:
ATP1A3-related disorder. Also called: ATP1A3-related disorders; ATP1A3-related condition. Identifiers: MedGen CN381097.

Submission:

PreventionGenetics, part of Exact Sciences
Classification: Likely benign for ATP1A3-related condition. Last evaluated: 2025-02-17. Review status: criteria provided, single submitter. Criteria: ACMG Guidelines, 2015. Collection method: clinical testing. Allele origin: germline.
Comment: This variant is classified as likely benign based on ACMG/AMP sequence variant interpretation guidelines (Richards et al. 2015 PMID: 25741868, with internal and published modifications).

NM_152296.5(ATP1A3):c.1983G>A (p.Lys661=)

Gene: ATP1A3 (ATPase Na+/K+ transporting subunit alpha 3; minus strand). Cytogenetic location: 19q13.2.
Variant type: single nucleotide variant.
Coding change: c.1983G>A on transcript NM_152296.5 (MANE Select); coding-DNA position 1983, G replaced by A.
Protein change: p.Lys661=; no amino-acid change (lysine 661 retained).
Molecular consequence: synonymous variant.
Genome position (GRCh38, 1-based): chr19:41,976,527, C>T on the plus strand (G>A on the coding strand, the complement: ATP1A3 is on the minus strand). VCF-style: chr19-41976527-C-T. GRCh37 (hg19) VCF-style: chr19-42480679-C-T.
Other names: c.2016G>A, p.Lys672= (NM_001256213.2); c.2022G>A, p.Lys674= (NM_001256214.2).
Identifiers: ClinVar variation 4996872 (VCV004996872.1).